The following is an entry in ClinVar:

ClinVar aggregate classification (germline): Uncertain significance (1 of 4 stars; one submission).

Allele frequency attached by ClinVar (database versions not stated): ExAC 0.00001; gnomAD 0.00001; gnomAD exomes 0.00001; TOPMed 0.00001; 1000 Genomes Project 30x 0.00031.
gnomAD v4.1: 15 of 1,611,514 alleles (0.00093%); highest among the groups gnomAD compares: East Asian, 0.025%; no homozygotes.

Submission:

Labcorp Genetics (formerly Invitae), Labcorp
Classification: Uncertain significance. Last evaluated: 2024-05-20. Review status: criteria provided, single submitter. Criteria: Invitae Variant Classification Sherloc (09022015). Collection method: clinical testing. Allele origin: germline.
Comment: This sequence change replaces glutamic acid, which is acidic and polar, with alanine, which is neutral and non-polar, at codon 1437 of the MYH7B protein (p.Glu1437Ala). This variant is present in population databases (rs749456563, gnomAD 0.03%). This variant has not been reported in the literature in individuals affected with MYH7B-related conditions. ClinVar contains an entry for this variant (Variation ID: 1947674). Advanced modeling of protein sequence and biophysical properties (such as structural, functional, and spatial information, amino acid conservation, physicochemical variation, residue mobility, and thermodynamic stability) performed at Invitae indicates that this missense variant is not expected to disrupt MYH7B protein function with a negative predictive value of 80%. In summary, the available evidence is currently insufficient to determine the role of this variant in disease. Therefore, it has been classified as a Variant of Uncertain Significance.

NM_020884.7(MYH7B):c.4184A>C (p.Glu1395Ala)

Gene: MYH7B (myosin heavy chain 7B; plus strand). Cytogenetic location: 20q11.22.
Variant type: single nucleotide variant.
Coding change: c.4184A>C on transcript NM_020884.7 (MANE Select); coding-DNA position 4184, A replaced by C.
Protein change: p.Glu1395Ala; replaces glutamic acid 1395 with alanine.
Molecular consequence: missense variant.
Genome position (GRCh38, 1-based): chr20:34,998,909, A>C. VCF-style: chr20-34998909-A-C. GRCh37 (hg19) VCF-style: chr20-33586712-A-C.
Other names: short protein forms E1395A.
Identifiers: ClinVar variation 1947674 (VCV001947674.5), dbSNP rs749456563, ClinGen allele CA9828016.